The following is an entry in ClinVar:

NM_025265.4(TSEN2):c.714C>T (p.Asp238=)

Gene: TSEN2 (tRNA splicing endonuclease subunit 2; plus strand). Cytogenetic location: 3p25.2.
Variant type: single nucleotide variant.
Coding change: c.714C>T on transcript NM_025265.4 (MANE Select); coding-DNA position 714, C replaced by T.
Protein change: p.Asp238=; no amino-acid change (aspartic acid 238 retained).
Molecular consequence: synonymous variant. On other transcripts: non-coding transcript variant (1).
Genome position (GRCh38, 1-based): chr3:12,503,667, C>T. VCF-style: chr3-12503667-C-T. GRCh37 (hg19) VCF-style: chr3-12545166-C-T.
Other names: c.714C>T, p.Asp238= (NM_001145392.2, NM_001145393.3, NM_001321277.2 and 2 more transcripts); c.537C>T, p.Asp179= (NM_001145394.2).
Identifiers: ClinVar variation 756924 (VCV000756924.6), dbSNP rs370187161, ClinGen allele CA2258585.

ClinVar aggregate classification (germline): Likely benign. Review status: criteria provided, multiple submitters, no conflicts (2 of 4 stars). 2 submissions from 2 submitters: Likely benign (2). Last evaluated 2026-08-01.

Allele frequency attached by ClinVar (database versions not stated): gnomAD 0.00003 and 0.00004; ExAC 0.00005; gnomAD exomes 0.00005 and 0.00009; TOPMed 0.00007; ESP Exome Variant Server 0.00008.
gnomAD v4.1: 141 of 1,606,484 alleles (0.0088%); highest among the groups gnomAD compares: Non-Finnish European, 0.011%; no homozygotes.

Submissions (2):

CeGaT Center for Human Genetics Tuebingen
Classification: Likely benign. Last evaluated: 2026-08-01. Review status: criteria provided, single submitter. Criteria: CeGaT Center For Human Genetics Tuebingen Variant Classification Criteria Version 2. Collection method: clinical testing. Allele origin: germline. Affected: yes. Observed: 1 variant allele.
Comment: TSEN2: BP4, BP7

Labcorp Genetics (formerly Invitae), Labcorp
Classification: Likely benign. Last evaluated: 2025-03-05. Review status: criteria provided, single submitter. Criteria: Invitae Variant Classification Sherloc (09022015). Collection method: clinical testing. Allele origin: germline.